The following is an entry in ClinVar:

ClinVar aggregate classification (germline): Uncertain significance (1 of 4 stars; one submission).

Conditions:
Sulfite oxidase deficiency due to molybdenum cofactor deficiency type A. Also called: Molybdenum Cofactor Deficiency A; Molybdenum cofactor deficiency, complementation group A. Identifiers: Orphanet 308386, Orphanet 833, MedGen C1854988, MONDO:0009643, OMIM 252150.

Allele frequency attached by ClinVar (database versions not stated): gnomAD exomes below 0.00001.

Submission:

Labcorp Genetics (formerly Invitae), Labcorp
Classification: Uncertain significance for Sulfite oxidase deficiency due to molybdenum cofactor deficiency type A. Last evaluated: 2022-05-14. Review status: criteria provided, single submitter. Criteria: Invitae Variant Classification Sherloc (09022015). Collection method: clinical testing. Allele origin: germline.
Comment: This sequence change replaces glutamine, which is neutral and polar, with leucine, which is neutral and non-polar, at codon 419 of the MOCS1 protein (p.Gln419Leu). This variant is not present in population databases (gnomAD no frequency). This variant has not been reported in the literature in individuals affected with MOCS1-related conditions. Algorithms developed to predict the effect of missense changes on protein structure and function output the following: SIFT: "Not Available"; PolyPhen-2: "Benign"; Align-GVGD: "Not Available". The leucine amino acid residue is found in multiple mammalian species, which suggests that this missense change does not adversely affect protein function. In summary, the available evidence is currently insufficient to determine the role of this variant in disease. Therefore, it has been classified as a Variant of Uncertain Significance.

NM_001358530.2(MOCS1):c.1256A>T (p.Gln419Leu)

Gene: MOCS1 (molybdenum cofactor synthesis 1; minus strand). Cytogenetic location: 6p21.2.
Variant type: single nucleotide variant.
Coding change: c.1256A>T on transcript NM_001358530.2 (MANE Select); coding-DNA position 1256, A replaced by T.
Protein change: p.Gln419Leu; replaces glutamine 419 with leucine.
Molecular consequence: missense variant. On other transcripts: 3 prime UTR variant (4), non-coding transcript variant (1).
Genome position (GRCh38, 1-based): chr6:39,907,012, T>A on the plus strand (A>T on the coding strand, the complement: MOCS1 is on the minus strand). VCF-style: chr6-39907012-T-A. GRCh37 (hg19) VCF-style: chr6-39874788-T-A.
Other names: c.*113A>T (NM_001075098.4, NM_001358533.2, NM_001358534.2 and 1 more transcripts); c.1208A>T, p.Gln403Leu (NM_001358529.2); c.995A>T, p.Gln332Leu (NM_001358531.2); short protein forms Q332L, Q419L, Q403L.
Identifiers: ClinVar variation 2103044 (VCV002103044.1), dbSNP rs2482260063, ClinGen allele CA364040987.